The following is an entry in ClinVar:

NM_000540.3(RYR1):c.9998C>G (p.Ser3333Cys)

Gene: RYR1 (ryanodine receptor 1; plus strand). Cytogenetic location: 19q13.2.
Variant type: single nucleotide variant.
Coding change: c.9998C>G on transcript NM_000540.3 (MANE Select); coding-DNA position 9998, C replaced by G.
Protein change: p.Ser3333Cys; replaces serine 3333 with cysteine.
Molecular consequence: missense variant.
Genome position (GRCh38, 1-based): chr19:38,517,671, C>G. VCF-style: chr19-38517671-C-G. GRCh37 (hg19) VCF-style: chr19-39008311-C-G.
Other names: c.9998C>G, p.Ser3333Cys (NM_001042723.2); short protein forms S3333C.
Identifiers: ClinVar variation 4975145 (VCV004975145.1).

ClinVar aggregate classification (germline): Uncertain significance (1 of 4 stars; one submission).

gnomAD v4.1: 7 of 1,614,208 alleles (0.00043%); highest among the groups gnomAD compares: Non-Finnish European, 0.00059%; no homozygotes.

Submission:

GeneDx
Classification: Uncertain significance. Last evaluated: 2026-03-17. Review status: criteria provided, single submitter. Criteria: GeneDx Variant Classification Process June 2021. Collection method: clinical testing. Allele origin: germline.
Comment: Reported in an individual from a cohort of patients with malignant hyperthermia susceptibility diagnosed by in vitro contracture test (IVCT) in published literature; however, detailed clinical history was not provided (PMID: 28259615); Not observed at significant frequency in large population cohorts (gnomAD); In silico analysis supports that this missense variant has a deleterious effect on protein structure/function; This variant is associated with the following publications: (PMID: 28259615)